The following is an entry in ClinVar:

ClinVar aggregate classification (germline): Uncertain significance (1 of 4 stars; one submission).

Conditions:
Rhabdoid tumor predisposition syndrome 2 (RTPS2). Identifiers: Orphanet 231108, Orphanet 69077, MedGen C2750074, MONDO:0013224, OMIM 613325.

Submission:

Labcorp Genetics (formerly Invitae), Labcorp
Classification: Uncertain significance for Rhabdoid tumor predisposition syndrome 2. Last evaluated: 2024-11-21. Review status: criteria provided, single submitter. Criteria: Invitae Variant Classification Sherloc (09022015). Collection method: clinical testing. Allele origin: germline.
Comment: This sequence change replaces glutamine, which is neutral and polar, with proline, which is neutral and non-polar, at codon 205 of the SMARCA4 protein (p.Gln205Pro). This variant is not present in population databases (gnomAD no frequency). This variant has not been reported in the literature in individuals affected with SMARCA4-related conditions. Invitae Evidence Modeling of protein sequence and biophysical properties (such as structural, functional, and spatial information, amino acid conservation, physicochemical variation, residue mobility, and thermodynamic stability) has been performed for this missense variant. However, the output from this modeling did not meet the statistical confidence thresholds required to predict the impact of this variant on SMARCA4 protein function. In summary, the available evidence is currently insufficient to determine the role of this variant in disease. Therefore, it has been classified as a Variant of Uncertain Significance.

NM_003072.5(SMARCA4):c.614A>C (p.Gln205Pro)

Gene: SMARCA4 (SWI/SNF related BAF chromatin remodeling complex subunit ATPase 4; plus strand). Cytogenetic location: 19p13.2.
Variant type: single nucleotide variant.
Coding change: c.614A>C on transcript NM_003072.5 (MANE Select); coding-DNA position 614, A replaced by C.
Protein change: p.Gln205Pro; replaces glutamine 205 with proline.
Molecular consequence: missense variant. On other transcripts: non-coding transcript variant (1).
Genome position (GRCh38, 1-based): chr19:10,986,447, A>C. VCF-style: chr19-10986447-A-C. GRCh37 (hg19) VCF-style: chr19-11097123-A-C.
Other names: c.614A>C, p.Gln205Pro (NM_001128844.3, NM_001128845.2, NM_001128846.2 and 6 more transcripts); short protein forms Q205P.
Identifiers: ClinVar variation 3636834 (VCV003636834.2).
Genomic context (GRCh38, chr19:10,986,447, plus strand): 5'-TGGCCTACAAGATGCTGGCCAGGGGGCAGCCCCTCCCCGACCACCTGCAGATGGCGGTGC[A>C]GGGCAAGCGGCCGATGCCCGGGATGCAGCAGCAGATGCCAACGCTACCTCCACCCTCGGT-3'
Protein context (NP_003063.2, residues 195-215): PLPDHLQMAV[Gln205Pro]GKRPMPGMQQ